The following is an entry in ClinVar:

NM_015267.4(CUX2):c.4000G>A (p.Asp1334Asn)

Gene: CUX2 (cut like homeobox 2; plus strand). Cytogenetic location: 12q24.12.
Variant type: single nucleotide variant.
Coding change: c.4000G>A on transcript NM_015267.4 (MANE Select); coding-DNA position 4000, G replaced by A.
Protein change: p.Asp1334Asn; replaces aspartic acid 1334 with asparagine.
Molecular consequence: missense variant.
Genome position (GRCh38, 1-based): chr12:111,347,864, G>A. VCF-style: chr12-111347864-G-A. GRCh37 (hg19) VCF-style: chr12-111785668-G-A.
Other names: c.3814G>A, p.Asp1272Asn (NM_001370598.1); c.4000G>A (NM_015267.3); short protein forms D1272N, D1334N.
Identifiers: ClinVar variation 1691027 (VCV001691027.3), dbSNP rs753088571, ClinGen allele CA6789270.
Genomic context (GRCh38, chr12:111,347,864, plus strand): 5'-CAGCCCCAGGACTCAGGGGAGCTGGACAAAGGCCAAGGTCCCCCCAAAGAGGAGCATCCC[G>A]ACCCTCCGGGTAATGATGGACTCCCAAAAGTGGCTCCCGGGCCCCTCCTTCCAGGTGGAT-3'
Protein context (NP_056082.2, residues 1324-1344): GQGPPKEEHP[Asp1334Asn]PPGNDGLPKV

ClinVar aggregate classification (germline): Uncertain significance. Review status: criteria provided, multiple submitters, no conflicts (2 of 4 stars). 2 submissions from 2 submitters: Uncertain significance (2). Last evaluated 2025-06-29.

Conditions:
Inborn genetic diseases. Identifiers: MedGen C0950123, MeSH D030342.

Allele frequency attached by ClinVar (database versions not stated): gnomAD 0.00001 and 0.00003; ExAC 0.00002; gnomAD exomes 0.00002 and 0.00003; TOPMed 0.00003.
gnomAD v4.1: 45 of 1,613,982 alleles (0.0028%); highest among the groups gnomAD compares: Admixed American, 0.0033%; no homozygotes.

Submissions (2):

Ambry Genetics
Classification: Uncertain significance for Inborn genetic diseases. Last evaluated: 2025-06-29. Review status: criteria provided, single submitter. Criteria: Ambry Variant Classification Scheme 2023. Collection method: clinical testing. Allele origin: germline.

Laboratorio de Genetica e Diagnostico Molecular, Hospital Israelita Albert Einstein
Classification: Uncertain significance. Last evaluated: 2021-04-12. Review status: criteria provided, single submitter. Criteria: ACMG Guidelines, 2015. Collection method: clinical testing. Allele origin: germline. Affected: yes.
Comment: ACMG classification criteria: PM2, PP2, BP4